The following is an entry in ClinVar:

NM_054012.4(ASS1):c.774-2A>G

Gene: ASS1 (argininosuccinate synthase 1; plus strand). Cytogenetic location: 9q34.11.
Variant type: single nucleotide variant.
Coding change: c.774-2A>G on transcript NM_054012.4 (MANE Select); the canonical splice acceptor site of the intron before coding-DNA position 774, A replaced by G.
Molecular consequence: splice acceptor variant.
Genome position (GRCh38, 1-based): chr9:130,480,383, A>G. VCF-style: chr9-130480383-A-G. GRCh37 (hg19) VCF-style: chr9-133355770-A-G.
Other names: c.774-2A>G (NM_054012.3, NM_000050.4).
Identifiers: ClinVar variation 813462 (VCV000813462.12), dbSNP rs1588496214, ClinGen allele CA375229406.

ClinVar aggregate classification (germline): Pathogenic/Likely pathogenic. Review status: criteria provided, multiple submitters, no conflicts (2 of 4 stars). 5 submissions from 5 submitters: Pathogenic (3); Likely pathogenic (2). Last evaluated 2025-12-07.

Conditions:
ASS1-related disorder. Also called: ASS1-related condition.
Citrullinemia. Identifiers: Orphanet 187, MedGen C0175683, MONDO:0015991.
Citrullinemia type I (CTNL1). Also called: argininosuccinate synthetase deficiency; ASS DEFICIENCY. Identifiers: Orphanet 247525, MedGen C4721769, MONDO:0008988, OMIM 215700.

Allele frequency attached by ClinVar (database versions not stated): gnomAD exomes below 0.00001.
gnomAD v4.1: 2 of 1,614,214 alleles (0.00012%); highest among the groups gnomAD compares: South Asian, 0.0011%; no homozygotes.

Submissions (5):

Natera, Inc.
Classification: Likely pathogenic for Citrullinemia type I. Last evaluated: 2025-12-07. Review status: criteria provided, single submitter. Criteria: Natera Variant Classification Schema (03/2026). Collection method: clinical testing. Allele origin: germline.
Comment: The c.774-2A>G variant in ASS1 is a canonical splice acceptor site variant predicted to affect pre-mRNA splicing, which may result in an abnormal transcript and altered protein product. This variant is expected to result in nonsense mediated decay, truncation, or a dysfunctional protein product. This variant is rare in the general population with a frequency below the threshold expected for the associated phenotype(s). Given the available evidence, this variant is classified as Likely Pathogenic.

Baylor Genetics
Classification: Pathogenic for Citrullinemia type I. Last evaluated: 2024-03-14. Review status: criteria provided, single submitter. Criteria: ACMG Guidelines, 2015. Collection method: clinical testing. Allele origin: unknown.

PreventionGenetics, part of Exact Sciences
Classification: Pathogenic for ASS1-related condition. Last evaluated: 2022-12-08. Review status: criteria provided, single submitter. Criteria: ACMG Guidelines, 2015. Collection method: clinical testing. Allele origin: germline.
Comment: The ASS1 c.774-2A>G variant is predicted to disrupt the AG splice acceptor site and interfere with normal splicing. This variant was reported in a study utilizing exome sequencing in newborn screening to identify inborn errors of metabolism (Supplementary Table 5, Adhikari et al. 2020. PubMed ID: 32778825). This variant has not been reported in a large population database, indicating this variant is rare and is reported as pathogenic/likely pathogenic in ClinVar. Variants that disrupt the consensus splice acceptor site in ASS1 are expected to be pathogenic. This variant is interpreted as pathogenic.

Labcorp Genetics (formerly Invitae), Labcorp
Classification: Likely pathogenic for Citrullinemia. Last evaluated: 2022-02-03. Review status: criteria provided, single submitter. Criteria: Invitae Variant Classification Sherloc (09022015). Collection method: clinical testing. Allele origin: germline.
Comment: In summary, the currently available evidence indicates that the variant is pathogenic, but additional data are needed to prove that conclusively. Therefore, this variant has been classified as Likely Pathogenic. Algorithms developed to predict the effect of sequence changes on RNA splicing suggest that this variant may disrupt the consensus splice site. ClinVar contains an entry for this variant (Variation ID: 813462). This variant has not been reported in the literature in individuals affected with ASS1-related conditions. This variant is not present in population databases (gnomAD no frequency). This sequence change affects an acceptor splice site in intron 11 of the ASS1 gene. It is expected to disrupt RNA splicing. Variants that disrupt the donor or acceptor splice site typically lead to a loss of protein function (PMID: 16199547), and loss-of-function variants in ASS1 are known to be pathogenic (PMID: 18473344, 19006241).

Rady Children's Institute for Genomic Medicine, Rady Children's Hospital San Diego
Classification: Pathogenic for Citrullinemia. Review status: criteria provided, single submitter. Criteria: ACMG Guidelines, 2015. Collection method: clinical testing. Allele origin: germline. Affected: yes.
Comment: This variant affects the canonical splice donor site of intron 11/15 and is therefore predicted to interfere with splicing and result in loss of normal protein function through either protein truncation or nonsense-mediated mRNA decay (NMD). This variant has been previously reported in patients with inborn error of metabolism (PMID: 32778825). Loss-of-function variation in ASS1 is an established mechanism of disease (PMID: 18473344, 19006241). The c.774-2A>G variant is absent from the gnomAD population database and thus is presumed to be rare. Based on the available evidence, the c.774-2A>G variant is classified as Pathogenic.

Literature cited by the submitters: PubMed 16199547 (cited by Labcorp Genetics (formerly Invitae), Labcorp); PubMed 18473344 (cited by Labcorp Genetics (formerly Invitae), Labcorp); PubMed 19006241 (cited by Labcorp Genetics (formerly Invitae), Labcorp).